The following is an entry in ClinVar:

ClinVar aggregate classification (germline): Likely benign. Review status: criteria provided, multiple submitters, no conflicts (2 of 4 stars). 2 submissions from 2 submitters: Likely benign (2). Last evaluated 2025-10-09.

Conditions:
Autosomal dominant limb-girdle muscular dystrophy type 1D (DNAJB6) (LGMDD1). Also called: MUSCULAR DYSTROPHY, AUTOSOMAL DOMINANT, WITH RIMMED VACUOLES; MUSCULAR DYSTROPHY, LIMB-GIRDLE, TYPE 1D; Autosomal dominant limb-girdle muscular dystrophy type 1D; Muscular dystrophy, limb-girdle, autosomal dominant 1. Identifiers: Orphanet 34516, MedGen C4721885, MONDO:0021018, OMIM 603511.

Allele frequency attached by ClinVar (database versions not stated): gnomAD exomes 0.00003 and 0.00005; ExAC 0.00005; gnomAD 0.00005 and 0.00006; TOPMed 0.00006.
gnomAD v4.1: 48 of 1,480,778 alleles (0.0032%); highest among the groups gnomAD compares: African/African-American, 0.017%; no homozygotes.

Submissions (2):

Labcorp Genetics (formerly Invitae), Labcorp
Classification: Likely benign for Autosomal dominant limb-girdle muscular dystrophy type 1D (DNAJB6). Last evaluated: 2025-10-09. Review status: criteria provided, single submitter. Criteria: Invitae Variant Classification Sherloc (09022015). Collection method: clinical testing. Allele origin: germline.

GeneDx
Classification: Likely benign. Last evaluated: 2017-09-05. Review status: criteria provided, single submitter. Criteria: GeneDx Variant Classification (06012015). Collection method: clinical testing. Allele origin: germline. Affected: yes.
Comment: This variant is considered likely benign or benign based on one or more of the following criteria: it is a conservative change, it occurs at a poorly conserved position in the protein, it is predicted to be benign by multiple in silico algorithms, and/or has population frequency not consistent with disease.

NM_058246.4(DNAJB6):c.346+13C>T

Gene: DNAJB6 (DnaJ heat shock protein family (Hsp40) member B6; plus strand). Cytogenetic location: 7q36.3.
Variant type: single nucleotide variant.
Coding change: c.346+13C>T on transcript NM_058246.4 (MANE Select); 13 bases into the intron after coding-DNA position 346, C replaced by T.
Molecular consequence: intron variant.
Genome position (GRCh38, 1-based): chr7:157,367,496, C>T. VCF-style: chr7-157367496-C-T. GRCh37 (hg19) VCF-style: chr7-157160190-C-T.
Other names: c.346+13C>T (NM_001363676.1, NM_005494.3).
Identifiers: ClinVar variation 511902 (VCV000511902.9), dbSNP rs749252793, ClinGen allele CA4590461.